The following is an entry in ClinVar:

NM_032228.6(FAR1):c.543A>C (p.Leu181Phe)

Gene: FAR1 (fatty acyl-CoA reductase 1; plus strand). Cytogenetic location: 11p15.3.
Variant type: single nucleotide variant.
Coding change: c.543A>C on transcript NM_032228.6 (MANE Select); coding-DNA position 543, A replaced by C.
Protein change: p.Leu181Phe; replaces leucine 181 with phenylalanine.
Molecular consequence: missense variant.
Genome position (GRCh38, 1-based): chr11:13,708,077, A>C. VCF-style: chr11-13708077-A-C. GRCh37 (hg19) VCF-style: chr11-13729624-A-C.
Other names: short protein forms L181F.
Identifiers: ClinVar variation 2767106 (VCV002767106.3), dbSNP rs2500127307, ClinGen allele CA379857122.
Genomic context (GRCh38, chr11:13,708,077, plus strand): 5'-GCATATTGATGAAGTAGTCTATCCACCACCTGTGGATCCCAAGAAGCTGATTGATTCTTT[A>C]GAGTATGTTTGTTTGAAATTTATATACATTTACTTTGATCCCAAAAGAGGCCAAGGCGGG-3'
Protein context (NP_115604.1, residues 171-191): PVDPKKLIDS[Leu181Phe]EWMDDGLVND

ClinVar aggregate classification (germline): Uncertain significance (1 of 4 stars; one submission).

Submission:

Labcorp Genetics (formerly Invitae), Labcorp
Classification: Uncertain significance. Last evaluated: 2023-10-09. Review status: criteria provided, single submitter. Criteria: Invitae Variant Classification Sherloc (09022015). Collection method: clinical testing. Allele origin: germline.
Comment: This sequence change replaces leucine, which is neutral and non-polar, with phenylalanine, which is neutral and non-polar, at codon 181 of the FAR1 protein (p.Leu181Phe). This variant is not present in population databases (gnomAD no frequency). This variant has not been reported in the literature in individuals affected with FAR1-related conditions. An algorithm developed to predict the effect of missense changes on protein structure and function (PolyPhen-2) suggests that this variant is likely to be tolerated. In summary, the available evidence is currently insufficient to determine the role of this variant in disease. Therefore, it has been classified as a Variant of Uncertain Significance.